The following is an entry in ClinVar:

NM_003597.5(KLF11):c.1161C>T (p.Asp387=)

Gene: KLF11 (KLF transcription factor 11; plus strand). Cytogenetic location: 2p25.1.
Variant type: single nucleotide variant.
Coding change: c.1161C>T on transcript NM_003597.5 (MANE Select); coding-DNA position 1161, C replaced by T.
Protein change: p.Asp387=; no amino-acid change (aspartic acid 387 retained).
Molecular consequence: synonymous variant.
Genome position (GRCh38, 1-based): chr2:10,048,498, C>T. VCF-style: chr2-10048498-C-T. GRCh37 (hg19) VCF-style: chr2-10188625-C-T.
Other names: c.1110C>T, p.Asp370= (NM_001177716.2, NM_001177718.2).
Identifiers: ClinVar variation 894382 (VCV000894382.7), dbSNP rs117449189, ClinGen allele CA1525702.

ClinVar aggregate classification (germline): Likely benign. Review status: criteria provided, multiple submitters, no conflicts (2 of 4 stars). 2 submissions from 2 submitters: Likely benign (2). Last evaluated 2018-04-18.

Conditions:
Maturity-onset diabetes of the young type 7 (MODY7). Identifiers: Orphanet 552, MedGen C1864839, MONDO:0012513, OMIM 610508.

Allele frequency attached by ClinVar (database versions not stated): TOPMed 0.00004; ExAC 0.00008; gnomAD exomes 0.00008; 1000 Genomes Project 30x 0.00078; 1000 Genomes Project 0.00100.
gnomAD v4.1: 505 of 1,613,828 alleles (0.031%); highest among the groups gnomAD compares: East Asian, 1.1%; 8 homozygotes.

Submissions (2):

Genetic Services Laboratory, University of Chicago
Classification: Likely benign. Last evaluated: 2018-04-18. Review status: criteria provided, single submitter. Criteria: ACMG Guidelines, 2015. Collection method: clinical testing. Allele origin: germline. Affected: no.

Illumina Laboratory Services, Illumina
Classification: Likely benign for Maturity-onset diabetes of the young type 7. Last evaluated: 2018-01-12. Review status: criteria provided, single submitter. Criteria: ICSL Variant Classification Criteria 13 December 2019. Collection method: clinical testing. Allele origin: germline.
Comment: This variant was observed in the ICSL laboratory as part of a predisposition screen in an ostensibly healthy population. It had not been previously curated by ICSL or reported in the Human Gene Mutation Database (HGMD: prior to June 1st, 2018), and was therefore a candidate for classification through an automated scoring system. Utilizing variant allele frequency, disease prevalence and penetrance estimates, and inheritance mode, an automated score was calculated to assess if this variant is too frequent to cause the disease. Based on the score and internal cut-off values, a variant classified as likely benign is not then subjected to further curation. The score for this variant resulted in a classification of likely benign for this disease.